The following is an entry in ClinVar:

ClinVar aggregate classification (germline): Likely benign. Review status: criteria provided, multiple submitters, no conflicts (2 of 4 stars). 2 submissions from 2 submitters: Likely benign (2). Last evaluated 2025-09-07.

Conditions:
LRP2-related disorder. Also called: LRP2-related condition.

Allele frequency attached by ClinVar (database versions not stated): gnomAD 0.00001; gnomAD exomes 0.00002 and 0.00008; TOPMed 0.00003; ExAC 0.00007; ESP Exome Variant Server 0.00008.

Submissions (2):

Labcorp Genetics (formerly Invitae), Labcorp
Classification: Likely benign. Last evaluated: 2025-09-07. Review status: criteria provided, single submitter. Criteria: Invitae Variant Classification Sherloc (09022015). Collection method: clinical testing. Allele origin: germline.

PreventionGenetics, part of Exact Sciences
Classification: Likely benign for LRP2-related condition. Last evaluated: 2024-11-29. Review status: criteria provided, single submitter. Criteria: ACMG Guidelines, 2015. Collection method: clinical testing. Allele origin: germline.
Comment: This variant is classified as likely benign based on ACMG/AMP sequence variant interpretation guidelines (Richards et al. 2015 PMID: 25741868, with internal and published modifications).

NM_004525.3(LRP2):c.4691+7del

Gene: LRP2 (LDL receptor related protein 2; minus strand). Cytogenetic location: 2q31.1.
Variant type: Deletion.
Coding change: c.4691+7del on transcript NM_004525.3 (MANE Select); 7 bases into the intron after coding-DNA position 4691, one base deleted (C; older notation c.4691+7delC).
Molecular consequence: intron variant.
Genome position (GRCh38, 1-based): chr2:169,237,096, G deleted on the plus strand (C on the coding strand, the reverse complement: LRP2 is on the minus strand). VCF-style (leftmost placement, unchanged base first): chr2-169237095-AG-A. GRCh37 (hg19) VCF-style: chr2-170093605-AG-A.
Identifiers: ClinVar variation 332170 (VCV000332170.13), dbSNP rs775018424, ClinGen allele CA1954750.